The following is an entry in ClinVar:

NM_001365536.1(SCN9A):c.553C>T (p.Arg185Cys)

Gene: SCN9A (sodium voltage-gated channel alpha subunit 9; minus strand). Cytogenetic location: 2q24.3.
Variant type: single nucleotide variant.
Coding change: c.553C>T on transcript NM_001365536.1 (MANE Select); coding-DNA position 553, C replaced by T.
Protein change: p.Arg185Cys; replaces arginine 185 with cysteine.
Molecular consequence: missense variant.
Genome position (GRCh38, 1-based): chr2:166,305,835, G>A on the plus strand (C>T on the coding strand, the complement: SCN9A is on the minus strand). VCF-style: chr2-166305835-G-A. GRCh37 (hg19) VCF-style: chr2-167162345-G-A.
Other names: c.553C>T, p.Arg185Cys (NM_002977.4); short protein forms R185C.
Identifiers: ClinVar variation 471146 (VCV000471146.11), dbSNP rs202083986, ClinGen allele CA1944766.

ClinVar aggregate classification (germline): Uncertain significance. Review status: criteria provided, multiple submitters, no conflicts (2 of 4 stars). 2 submissions from 2 submitters: Uncertain significance (2). Last evaluated 2026-01-06.

Conditions:
Generalized epilepsy with febrile seizures plus, type 7 (GEFSP7). Also called: GEFS+, TYPE 7. Identifiers: Orphanet 36387, MedGen C2751778, MONDO:0013470, OMIM 613863.
Neuropathy, hereditary sensory and autonomic, type 2A (HSAN2A). Also called: HSAN IIA; WNK1-Related HSAN2 (HSAN2A); ACROOSTEOLYSIS, GIACCAI TYPE; ACROOSTEOLYSIS, NEUROGENIC; MORVAN DISEASE; NEUROPATHY, CONGENITAL SENSORY. Identifiers: Orphanet 970, MedGen C2752089, MONDO:0024309, OMIM 201300.
Primary erythromelalgia. Also called: SCN9A Erythromelalgia (SCN9A-EM); primary erythermalgia. Identifiers: Orphanet 306577, Orphanet 90026, MedGen C0014805, MONDO:0007571, OMIM 133020.
Severe myoclonic epilepsy in infancy (DRVT). Also called: Dravet syndrome; SEVERE MYOCLONIC EPILEPSY OF INFANCY; DEVELOPMENTAL AND EPILEPTIC ENCEPHALOPATHY 6A; Severe Myoclonic Epilepsy in Infancy (SMEI); Epileptic encephalopathy, early infantile, 6 (Dravet syndrome). Identifiers: Orphanet 33069, MedGen C0751122, MONDO:0100135, OMIM 607208.
Paroxysmal extreme pain disorder (PEXPD). Also called: SCN9A Paroxysmal Extreme Pain Disorder (SCN9A-PEPD); RECTAL PAIN, FAMILIAL; PAIN, SUBMANDIBULAR, OCULAR, AND RECTAL, WITH FLUSHING. Identifiers: Orphanet 46348, MedGen C1833661, MONDO:0008179, OMIM 167400.
Channelopathy-associated congenital insensitivity to pain, autosomal recessive. Also called: Insensitivity to pain, channelopathy-associated; ASYMBOLIA FOR PAIN; CONGENITAL ANALGESIA, AUTOSOMAL RECESSIVE. Identifiers: Orphanet 88642, Orphanet 970, MedGen C1855739, MONDO:0009459, OMIM 243000.

Allele frequency attached by ClinVar (database versions not stated): ExAC 0.00001; gnomAD exomes 0.00002; TOPMed 0.00005; gnomAD 0.00001 and 0.00002.
gnomAD v4.1: 31 of 1,613,216 alleles (0.0019%); highest among the groups gnomAD compares: Admixed American, 0.0083%; no homozygotes.

Submissions (2):

Labcorp Genetics (formerly Invitae), Labcorp
Classification: Uncertain significance for Neuropathy, hereditary sensory and autonomic, type 2A; Generalized epilepsy with febrile seizures plus, type 7. Last evaluated: 2026-01-06. Review status: criteria provided, single submitter. Criteria: Invitae Variant Classification Sherloc (09022015). Collection method: clinical testing. Allele origin: germline.
Comment: This sequence change replaces arginine, which is basic and polar, with cysteine, which is neutral and slightly polar, at codon 185 of the SCN9A protein (p.Arg185Cys). This variant is present in population databases (rs202083986, gnomAD 0.006%). This variant has not been reported in the literature in individuals affected with SCN9A-related conditions. ClinVar contains an entry for this variant (Variation ID: 471146). Invitae Evidence Modeling of protein sequence and biophysical properties (such as structural, functional, and spatial information, amino acid conservation, physicochemical variation, residue mobility, and thermodynamic stability) has been performed for this missense variant. However, the output from this modeling did not meet the statistical confidence thresholds required to predict the impact of this variant on SCN9A protein function. Algorithms developed to predict the effect of sequence changes on RNA splicing suggest that this variant may disrupt the consensus splice site. In summary, the available evidence is currently insufficient to determine the role of this variant in disease. Therefore, it has been classified as a Variant of Uncertain Significance.

Fulgent Genetics
Classification: Uncertain significance for Primary erythromelalgia; Paroxysmal extreme pain disorder; Neuropathy, hereditary sensory and autonomic, type 2A; Channelopathy-associated congenital insensitivity to pain, autosomal recessive; Severe myoclonic epilepsy in infancy; Generalized epilepsy with febrile seizures plus, type 7. Last evaluated: 2018-10-31. Review status: criteria provided, single submitter. Criteria: ACMG Guidelines, 2015. Collection method: clinical testing. Allele origin: unknown.